The following is an entry in ClinVar:

ClinVar aggregate classification (germline): Likely benign. Review status: criteria provided, multiple submitters, no conflicts (2 of 4 stars). 3 submissions from 3 submitters: Likely benign (2). 1 of the submissions does not count toward it. Last evaluated 2025-12-19.

Conditions:
SNRNP200-related disorder. Also called: SNRNP200-related condition.

Allele frequency attached by ClinVar (database versions not stated): gnomAD 0.00007 and 0.00008; ESP Exome Variant Server 0.00008; ExAC 0.00012; gnomAD exomes 0.00012; TOPMed 0.00013.
gnomAD v4.1: 196 of 1,613,744 alleles (0.012%); highest among the groups gnomAD compares: Admixed American, 0.035%; no homozygotes.

Submissions (3):

Labcorp Genetics (formerly Invitae), Labcorp
Classification: Likely benign. Last evaluated: 2025-12-19. Review status: criteria provided, single submitter. Criteria: Invitae Variant Classification Sherloc (09022015). Collection method: clinical testing. Allele origin: germline.

Blueprint Genetics
Classification: Likely benign. Last evaluated: 2023-11-24. Review status: criteria provided, single submitter. Criteria: ACMG Guidelines, 2015. Collection method: clinical testing. Allele origin: germline.

PreventionGenetics, part of Exact Sciences
Classification: Likely benign for SNRNP200-related condition. Last evaluated: 2024-08-29. Review status: no assertion criteria provided. Collection method: clinical testing. Allele origin: germline. Not counted in ClinVar's aggregate classification.
Comment: This variant is classified as likely benign based on ACMG/AMP sequence variant interpretation guidelines (Richards et al. 2015 PMID: 25741868, with internal and published modifications).

NM_014014.5(SNRNP200):c.1686T>C (p.Tyr562=)

Gene: SNRNP200 (small nuclear ribonucleoprotein U5 subunit 200; minus strand). Cytogenetic location: 2q11.2.
Variant type: single nucleotide variant.
Coding change: c.1686T>C on transcript NM_014014.5 (MANE Select); coding-DNA position 1686, T replaced by C.
Protein change: p.Tyr562=; no amino-acid change (tyrosine 562 retained).
Molecular consequence: synonymous variant.
Genome position (GRCh38, 1-based): chr2:96,295,644, A>G on the plus strand (T>C on the coding strand, the complement: SNRNP200 is on the minus strand). VCF-style: chr2-96295644-A-G. GRCh37 (hg19) VCF-style: chr2-96961382-A-G.
Other names: c.1686T>C (NM_014014.4).
Identifiers: ClinVar variation 1646548 (VCV001646548.10), dbSNP rs368278928, ClinGen allele CA1778857.